The following is an entry in ClinVar:

NM_001378969.1(KCND3):c.635G>A (p.Gly212Asp)

Gene: KCND3 (potassium voltage-gated channel subfamily D member 3; minus strand). Cytogenetic location: 1p13.2.
Variant type: single nucleotide variant.
Coding change: c.635G>A on transcript NM_001378969.1 (MANE Select); coding-DNA position 635, G replaced by A.
Protein change: p.Gly212Asp; replaces glycine 212 with aspartic acid.
Molecular consequence: missense variant.
Genome position (GRCh38, 1-based): chr1:111,982,092, C>T on the plus strand (G>A on the coding strand, the complement: KCND3 is on the minus strand). VCF-style: chr1-111982092-C-T. GRCh37 (hg19) VCF-style: chr1-112524714-C-T.
Other names: c.635G>A, p.Gly212Asp (NM_001378970.1, NM_004980.5, NM_172198.3); short protein forms G212D.
Identifiers: ClinVar variation 3381845 (VCV003381845.2).

ClinVar aggregate classification (germline): Uncertain significance (1 of 4 stars; one submission).

Conditions:
Spinocerebellar ataxia type 19/22 (SCA19). Also called: SPINOCEREBELLAR ATAXIA 19; SPINOCEREBELLAR ATAXIA 22. Identifiers: Orphanet 98772, MedGen C1846367, MONDO:0011819, OMIM 607346.

gnomAD v4.1: 1 of 1,613,680 alleles (0.000062%); highest among the groups gnomAD compares: East Asian, 0.0022%; no homozygotes.

Submission:

Juno Genomics, Hangzhou Juno Genomics, Inc
Classification: Uncertain significance for Spinocerebellar ataxia type 19/22. Review status: criteria provided, single submitter. Criteria: ACMG Guidelines, 2015. Collection method: clinical testing. Allele origin: germline. Affected: yes.
Comment: Absent from controls (or at extremely low frequency if recessive) in Genome Aggregation Database, Exome Sequencing Project, 1000 Genomes Project, or Exome Aggregation Consortium.;Missense variant in a gene that has a low rate of benign missense variation and where missense variants are a common mechanism of disease.;Patient's phenotype or family history is highly specific for a disease with a single genetic etiology.